The following is an entry in ClinVar:

NM_003172.4(SURF1):c.425_426del (p.Pro142fs)

Gene: SURF1 (SURF1 cytochrome c oxidase assembly factor; minus strand). Cytogenetic location: 9q34.2.
Variant type: Deletion.
Coding change: c.425_426del on transcript NM_003172.4 (MANE Select); coding-DNA positions 425 to 426, 2 bases deleted (CT; older notation c.425_426delCT).
Protein change: p.Pro142fs; shifts the reading frame from proline 142.
Molecular consequence: frameshift variant.
Genome position (GRCh38, 1-based): chr9:133,353,838-133,353,839, AG deleted on the plus strand (CT on the coding strand, the reverse complement: SURF1 is on the minus strand). VCF-style (leftmost placement, unchanged base first): chr9-133353837-CAG-C. GRCh37 (hg19) VCF-style: chr9-136220692-CAG-C.
Other names: c.98_99del, p.Pro33fs (NM_001280787.1); short protein forms P142fs, P33fs.
Identifiers: ClinVar variation 5007414 (VCV005007414.2).

ClinVar aggregate classification (germline): Likely pathogenic (1 of 4 stars; one submission).

Conditions:
Charcot-Marie-Tooth disease type 4K. Also called: CHARCOT-MARIE-TOOTH DISEASE, DEMYELINATING, TYPE 4K; CHARCOT-MARIE-TOOTH DISEASE, DEMYELINATING, AUTOSOMAL RECESSIVE, TYPE 4K; CHARCOT-MARIE-TOOTH NEUROPATHY, DEMYELINATING, AUTOSOMAL RECESSIVE, TYPE 4K. Identifiers: Orphanet 391351, MedGen C4225246, MONDO:0014733, OMIM 616684.
Mitochondrial complex IV deficiency, nuclear type 1 (MC4DN1). Also called: Complex 4 mitochondrial respiratory chain deficiency; Deficiency of mitochondrial respiratory chain complex4; Complex IV deficiency; COX DEFICIENCY; Mitochondrial complex IV deficiency. Identifiers: MedGen C5435656, MONDO:0700250, OMIM 220110. Disease mechanism: loss of function.

Submission:

Juno Genomics, Hangzhou Juno Genomics, Inc
Classification: Likely pathogenic for Charcot-Marie-Tooth disease type 4K; Mitochondrial complex IV deficiency, nuclear type 1. Review status: criteria provided, single submitter. Criteria: ACMG Guidelines, 2015. Collection method: clinical testing. Allele origin: germline.
Comment: Null variant in a gene where loss of function (LOF) is a known mechanism of disease.;Absent from controls (or at extremely low frequency if recessive) in Genome Aggregation Database.